The following is an entry in ClinVar:

NM_001378454.1(ALMS1):c.7455C>A (p.Asn2485Lys)

Gene: ALMS1 (ALMS1 centrosome and basal body associated protein; plus strand). Cytogenetic location: 2p13.1.
Variant type: single nucleotide variant.
Coding change: c.7455C>A on transcript NM_001378454.1 (MANE Select); coding-DNA position 7455, C replaced by A.
Protein change: p.Asn2485Lys; replaces asparagine 2485 with lysine.
Molecular consequence: missense variant.
Genome position (GRCh38, 1-based): chr2:73,453,982, C>A. VCF-style: chr2-73453982-C-A. GRCh37 (hg19) VCF-style: chr2-73681109-C-A.
Other names: c.7458C>A, p.Asn2486Lys (NM_015120.4); short protein forms N2485K, N2486K.
Identifiers: ClinVar variation 990696 (VCV000990696.7), dbSNP rs988216695, ClinGen allele CA50398623.

ClinVar aggregate classification (germline): Uncertain significance. Review status: criteria provided, multiple submitters, no conflicts (2 of 4 stars). 3 submissions from 3 submitters: Uncertain significance (2). 1 of the submissions does not count toward it. Last evaluated 2024-04-11.

Conditions:
Cardiovascular phenotype. Identifiers: MedGen CN230736.
Alstrom syndrome (ALMS). Identifiers: Orphanet 64, MedGen C0268425, MONDO:0008763, OMIM 203800.

Allele frequency attached by ClinVar (database versions not stated): TOPMed below 0.00001.

Submissions (3):

Ambry Genetics
Classification: Uncertain significance for Cardiovascular phenotype. Last evaluated: 2024-04-11. Review status: criteria provided, single submitter. Criteria: Ambry Variant Classification Scheme 2023. Collection method: clinical testing. Allele origin: germline.
Comment: The p.N2486K variant (also known as c.7458C>A), located in coding exon 8 of the ALMS1 gene, results from a C to A substitution at nucleotide position 7458. The asparagine at codon 2486 is replaced by lysine, an amino acid with similar properties. This amino acid position is not well conserved in available vertebrate species. In addition, this alteration is predicted to be tolerated by in silico analysis. Based on the available evidence, the clinical significance of this variant remains unclear.

Labcorp Genetics (formerly Invitae), Labcorp
Classification: Uncertain significance for Alstrom syndrome. Last evaluated: 2022-08-16. Review status: criteria provided, single submitter. Criteria: Invitae Variant Classification Sherloc (09022015). Collection method: clinical testing. Allele origin: germline.
Comment: This sequence change replaces asparagine, which is neutral and polar, with lysine, which is basic and polar, at codon 2486 of the ALMS1 protein (p.Asn2486Lys). This variant is not present in population databases (gnomAD no frequency). This variant has not been reported in the literature in individuals affected with ALMS1-related conditions. ClinVar contains an entry for this variant (Variation ID: 990696). Experimental studies and prediction algorithms are not available or were not evaluated, and the functional significance of this variant is currently unknown. In summary, the available evidence is currently insufficient to determine the role of this variant in disease. Therefore, it has been classified as a Variant of Uncertain Significance.

Natera, Inc.
Classification: Uncertain significance for Alstrom syndrome. Last evaluated: 2020-08-14. Review status: no assertion criteria provided. Collection method: clinical testing. Allele origin: germline. Not counted in ClinVar's aggregate classification.